The following is an entry in ClinVar:

ClinVar aggregate classification (germline): Pathogenic/Likely pathogenic. Review status: criteria provided, multiple submitters, no conflicts (2 of 4 stars). 2 submissions from 2 submitters: Pathogenic (1); Likely pathogenic (1). Last evaluated 2023-09-20.

Conditions:
Early-infantile DEE. Also called: Early infantile epileptic encephalopathy; Ohtahara syndrome; Early infantile epileptic encephalopathy with suppression bursts. Identifiers: Orphanet 1934, MedGen C0393706, MONDO:0800491.

Submissions (2):

Labcorp Genetics (formerly Invitae), Labcorp
Classification: Pathogenic for Early-infantile DEE. Last evaluated: 2023-09-20. Review status: criteria provided, single submitter. Criteria: Invitae Variant Classification Sherloc (09022015). Collection method: clinical testing. Allele origin: germline.
Comment: For these reasons, this variant has been classified as Pathogenic. This variant disrupts a region of the KCNQ2 protein in which other variant(s) (p.Lys829Serfs*35) have been determined to be pathogenic (Invitae). This suggests that this is a clinically significant region of the protein, and that variants that disrupt it are likely to be disease-causing. Variants that disrupt the consensus splice site are a relatively common cause of aberrant splicing (PMID: 17576681, 9536098). Algorithms developed to predict the effect of sequence changes on RNA splicing suggest that this variant may disrupt the consensus splice site. ClinVar contains an entry for this variant (Variation ID: 205950). Disruption of this splice site has been observed in individual(s) with epilepsy and neurodevelopmental disorders (PMID: 29655203). This variant is not present in population databases (gnomAD no frequency). This sequence change affects a donor splice site in intron 16 of the KCNQ2 gene. While this variant is not anticipated to result in nonsense mediated decay, it likely alters RNA splicing and results in a disrupted protein product.

GeneDx
Classification: Likely pathogenic. Last evaluated: 2021-05-20. Review status: criteria provided, single submitter. Criteria: GeneDx Variant Classification Process June 2021. Collection method: clinical testing. Allele origin: germline. Affected: yes.
Comment: Canonical splice site variant predicted to result in a null allele in a gene for which loss-of-function is a known mechanism of disease; Not observed in large population cohorts (Lek et al., 2016); This variant is associated with the following publications: (PMID: 29655203)

Literature cited by the submitters: PubMed 17576681 (cited by Labcorp Genetics (formerly Invitae), Labcorp); PubMed 9536098 (cited by Labcorp Genetics (formerly Invitae), Labcorp); PubMed 29655203 (cited by Labcorp Genetics (formerly Invitae), Labcorp).

NM_172107.4(KCNQ2):c.1887+1G>T

Gene: KCNQ2 (potassium voltage-gated channel subfamily Q member 2; minus strand). Cytogenetic location: 20q13.33.
Variant type: single nucleotide variant.
Coding change: c.1887+1G>T on transcript NM_172107.4 (MANE Select); the canonical splice donor site of the intron after coding-DNA position 1887, G replaced by T.
Molecular consequence: splice donor variant.
Genome position (GRCh38, 1-based): chr20:63,408,412, C>A on the plus strand (G>T on the coding strand, the complement: KCNQ2 is on the minus strand). VCF-style: chr20-63408412-C-A. GRCh37 (hg19) VCF-style: chr20-62039765-C-A.
Other names: c.1800+1G>T (NM_001439004.1); c.1803+1G>T (NM_004518.6); c.1794+1G>T (NM_172108.5); c.1830+1G>T (NM_001439003.1); c.1833+1G>T (NM_172106.3); c.1941+1G>T (NM_001382235.1).
Identifiers: ClinVar variation 205950 (VCV000205950.9), dbSNP rs796052670, ClinGen allele CA315570.